The following is an entry in ClinVar:

ClinVar aggregate classification (germline): Likely benign. Review status: criteria provided, multiple submitters, no conflicts (2 of 4 stars). 3 submissions from 3 submitters: Likely benign (3). Last evaluated 2026-07-01.

Conditions:
Inborn genetic diseases. Identifiers: MedGen C0950123, MeSH D030342.

Allele frequency attached by ClinVar (database versions not stated): gnomAD 0.00001; gnomAD exomes 0.00001; ExAC 0.00002; TOPMed 0.00002.
gnomAD v4.1: 18 of 1,613,746 alleles (0.0011%); highest among the groups gnomAD compares: Non-Finnish European, 0.0015%; no homozygotes.

Submissions (3):

CeGaT Center for Human Genetics Tuebingen
Classification: Likely benign. Last evaluated: 2026-07-01. Review status: criteria provided, single submitter. Criteria: CeGaT Center For Human Genetics Tuebingen Variant Classification Criteria Version 2. Collection method: clinical testing. Allele origin: germline. Affected: yes. Observed: 3 variant alleles.
Comment: KDM1A: BP4, BP7

Labcorp Genetics (formerly Invitae), Labcorp
Classification: Likely benign. Last evaluated: 2025-12-22. Review status: criteria provided, single submitter. Criteria: Invitae Variant Classification Sherloc (09022015). Collection method: clinical testing. Allele origin: germline.

Ambry Genetics
Classification: Likely benign for Inborn genetic diseases. Last evaluated: 2024-11-22. Review status: criteria provided, single submitter. Criteria: Ambry Variant Classification Scheme 2023. Collection method: clinical testing. Allele origin: germline.

NM_001009999.3(KDM1A):c.2595A>G (p.Thr865=)

Gene: KDM1A (lysine demethylase 1A; plus strand). Cytogenetic location: 1p36.12.
Variant type: single nucleotide variant.
Coding change: c.2595A>G on transcript NM_001009999.3 (MANE Select); coding-DNA position 2595, A replaced by G.
Protein change: p.Thr865=; no amino-acid change (threonine 865 retained).
Molecular consequence: synonymous variant. On other transcripts: 3 prime UTR variant (1).
Genome position (GRCh38, 1-based): chr1:23,083,328, A>G. VCF-style: chr1-23083328-A-G. GRCh37 (hg19) VCF-style: chr1-23409821-A-G.
Other names: c.2595A>G (NM_001009999.2); c.2541A>G, p.Thr847= (NM_001363654.2); c.2601A>G, p.Thr867= (NM_001410762.1); c.*843A>G (NM_001410763.1); c.2523A>G, p.Thr841= (NM_015013.4).
Identifiers: ClinVar variation 2638481 (VCV002638481.26), dbSNP rs772544963, ClinGen allele CA679997.